The following is an entry in ClinVar:

ClinVar aggregate classification (germline): Conflicting classifications of pathogenicity. Review status: criteria provided, conflicting classifications (1 of 4 stars). 10 submissions from 10 submitters: Uncertain significance (8); Benign (1). 1 of the submissions does not count toward it. Last evaluated 2026-06-24.

Conditions:
Hereditary cancer-predisposing syndrome. Also called: Hereditary Cancer Syndrome; Tumor predisposition; Neoplastic Syndromes, Hereditary; Hereditary neoplastic syndrome. Identifiers: Orphanet 140162, MedGen C0027672, MeSH D009386, MONDO:0015356.
Familial cancer of breast. Also called: hereditary breast carcinoma; BREAST CANCER, FAMILIAL; Hereditary breast cancer. Identifiers: Orphanet 227535, MedGen C0346153, MONDO:0016419, OMIM 114480. Disease mechanism: loss of function.
Ataxia-telangiectasia syndrome (AT). Also called: ATAXIA-TELANGIECTASIA, COMPLEMENTATION GROUP A; ATAXIA-TELANGIECTASIA, FRESNO VARIANT; Ataxia-telangiectasia; Ataxia-telangiectasia, complementation group E; Cerebello-oculocutaneous telangiectasia; Immunodeficiency with ataxia telangiectasia. Identifiers: Orphanet 100, MedGen C0004135, MONDO:0008840, OMIM 208900.

Allele frequency attached by ClinVar (database versions not stated): ExAC 0.00001; gnomAD exomes below 0.00001 and 0.00001; TOPMed 0.00001.
gnomAD v4.1: 4 of 1,614,194 alleles (0.00025%); highest among the groups gnomAD compares: East Asian, 0.0022%; no homozygotes.

Submissions (10):

Institute for Biomarker Research, Medical Diagnostic Laboratories, L.L.C.
Classification: Uncertain significance for Hereditary cancer-predisposing syndrome. Last evaluated: 2026-06-24. Review status: criteria provided, single submitter. Criteria: ACMG Guidelines, 2015. Collection method: clinical testing. Allele origin: germline.
Comment: The missense variant NM_000051.4(ATM):c.8942A>G (p.His2981Arg) is not currently classified as pathogenic in clinical sources (Accession: VCV000187627.36). The p.His2981Arg variant is novel (not in any individuals) in 1kG All. There is a small physicochemical difference between histidine and arginine, which is not likely to impact secondary protein structure as these residues share similar properties. The gene ATM has a low rate of benign missense variation as indicated by a high missense variants Z-Score of 1.10. The gene ATM contains 185 pathogenic missense variants, indicating that missense variants are a common mechanism of disease in this gene. For these reasons, this variant has been classified as Uncertain Significance.

Labcorp Genetics (formerly Invitae), Labcorp
Classification: Uncertain significance for Ataxia-telangiectasia syndrome. Last evaluated: 2026-01-04. Review status: criteria provided, single submitter. Criteria: Invitae Variant Classification Sherloc (09022015). Collection method: clinical testing. Allele origin: germline.
Comment: This sequence change replaces histidine, which is basic and polar, with arginine, which is basic and polar, at codon 2981 of the ATM protein (p.His2981Arg). This variant is present in population databases (rs750441954, gnomAD 0.0009%). This missense change has been observed in individual(s) with pancreatic cancer (PMID: 35047863). ClinVar contains an entry for this variant (Variation ID: 187627). Invitae Evidence Modeling of protein sequence and biophysical properties (such as structural, functional, and spatial information, amino acid conservation, physicochemical variation, residue mobility, and thermodynamic stability) indicates that this missense variant is not expected to disrupt ATM protein function with a negative predictive value of 95%. In summary, the available evidence is currently insufficient to determine the role of this variant in disease. Therefore, it has been classified as a Variant of Uncertain Significance.

Ambry Genetics
Classification: Benign for Hereditary cancer-predisposing syndrome. Last evaluated: 2025-10-30. Review status: criteria provided, single submitter. Criteria: Ambry Variant Classification Scheme 2023. Collection method: clinical testing. Allele origin: germline.

GeneDx
Classification: Uncertain significance. Last evaluated: 2025-07-28. Review status: criteria provided, single submitter. Criteria: GeneDx Variant Classification Process June 2021. Collection method: clinical testing. Allele origin: germline. Affected: yes.
Comment: Not observed at significant frequency in large population cohorts (gnomAD); In silico analysis suggests that this missense variant does not alter protein structure/function; This variant is associated with the following publications: (PMID: 33471991, 35047863, 23532176)

Color Diagnostics, LLC DBA Color Health
Classification: Uncertain significance for Hereditary cancer-predisposing syndrome. Last evaluated: 2024-08-19. Review status: criteria provided, single submitter. Criteria: ACMG Guidelines, 2015. Collection method: clinical testing. Allele origin: germline.
Comment: This missense variant replaces histidine with arginine at codon 2981 of the ATM protein. Computational prediction suggests that this variant may not impact protein structure and function. To our knowledge, functional studies have not been reported for this variant. In a large international case-control study, this variant was reported in 1/60466 breast cancer cases and absent in 53461 controls (PMID: 33471991). This variant has been identified in 1/251408 chromosomes in the general population by the Genome Aggregation Database (gnomAD). The available evidence is insufficient to determine the role of this variant in disease conclusively. Therefore, this variant is classified as a Variant of Uncertain Significance.

Baylor Genetics
Classification: Uncertain significance for Familial cancer of breast. Last evaluated: 2023-05-18. Review status: criteria provided, single submitter. Criteria: ACMG Guidelines, 2015. Collection method: clinical testing. Allele origin: unknown.

Department of Pathology and Laboratory Medicine, Sinai Health System
Classification: Uncertain significance for Familial cancer of breast. Last evaluated: 2022-03-01. Review status: criteria provided, single submitter. Criteria: ACMG Guidelines, 2015. Collection method: clinical testing. Allele origin: germline. Affected: yes.

St. Jude Molecular Pathology, St. Jude Children's Research Hospital
Classification: Uncertain significance for Familial cancer of breast. Last evaluated: 2021-06-17. Review status: criteria provided, single submitter. Criteria: St. Jude Assertion Criteria 2020. Collection method: clinical testing. Allele origin: germline.
Comment: The ATM c.8942A>G (p.His2981Arg) missense change has a maximum frequency of 0.00088% in gnomAD v2.1.1 (PM2_Supporting). Seven of seven in silico tools predict a benign effect of this variant on protein function (BP4), but to our knowledge these predictions have not been confirmed by functional assays. This variant is present 1x in the FLOSSIES database which contains genetic variants from women older than 70 years of age who have never had cancer. To our knowledge, this variant has not been reported in individuals with ataxia telangiectasia or breast cancer. In summary, this variant meets criteria to be classified as of uncertain significance based on the ACMG/AMP criteria: PM2_Supporting; BP4.

Mendelics
Classification: Uncertain significance for Ataxia-telangiectasia syndrome. Last evaluated: 2019-05-28. Review status: criteria provided, single submitter. Criteria: Mendelics Assertion Criteria 2017. Collection method: clinical testing. Allele origin: unknown.

Natera, Inc.
Classification: Uncertain significance for Ataxia-telangiectasia. Last evaluated: 2020-12-02. Review status: no assertion criteria provided. Collection method: clinical testing. Allele origin: germline. Not counted in ClinVar's aggregate classification.

Literature cited by the submitters: PubMed 35047863 (cited by Labcorp Genetics (formerly Invitae), Labcorp); PubMed 40580951 (cited by Ambry Genetics); PubMed 33471991 (cited by Color Diagnostics, LLC DBA Color Health).

NM_000051.4(ATM):c.8942A>G (p.His2981Arg)

Genes: ATM (ATM serine/threonine kinase; plus strand), C11orf65 (chromosome 11 open reading frame 65; minus strand). Cytogenetic location: 11q22.3.
Variant type: single nucleotide variant.
Coding change: c.8942A>G on transcript NM_000051.4 (MANE Select); coding-DNA position 8942, A replaced by G.
Protein change: p.His2981Arg; replaces histidine 2981 with arginine.
Molecular consequence: missense variant. On other transcripts: intron variant (2).
Genome position (GRCh38, 1-based): chr11:108,365,173, A>G. VCF-style: chr11-108365173-A-G. GRCh37 (hg19) VCF-style: chr11-108235900-A-G.
Other names: c.8942A>G, p.His2981Arg (NM_001351834.2); c.640+20747T>C (NM_001330368.2); c.694+20747T>C (NM_001351110.2); short protein forms H2981R.
Identifiers: ClinVar variation 187627 (VCV000187627.37), dbSNP rs750441954, ClinGen allele CA198131.